The following is an entry in ClinVar:

NM_006267.5(RANBP2):c.543G>A (p.Leu181=)

Gene: RANBP2 (RAN binding protein 2; plus strand). Cytogenetic location: 2q13.
Variant type: single nucleotide variant.
Coding change: c.543G>A on transcript NM_006267.5 (MANE Select); coding-DNA position 543, G replaced by A.
Protein change: p.Leu181=; no amino-acid change (leucine 181 retained).
Molecular consequence: synonymous variant.
Genome position (GRCh38, 1-based): chr2:108,735,669, G>A. VCF-style: chr2-108735669-G-A. GRCh37 (hg19) VCF-style: chr2-109352125-G-A.
Identifiers: ClinVar variation 514439 (VCV000514439.9), dbSNP rs146460580, ClinGen allele CA1822055.

ClinVar aggregate classification (germline): Likely benign. Review status: criteria provided, multiple submitters, no conflicts (2 of 4 stars). 3 submissions from 3 submitters: Likely benign (3). Last evaluated 2024-10-23.

Conditions:
Familial acute necrotizing encephalopathy (IIAE3). Also called: Susceptibility to Acute Necrotizing Encephalopathy 1; ENCEPHALOPATHY, ACUTE, INFECTION-INDUCED, SUSCEPTIBILITY TO, 3. Identifiers: Orphanet 88619, MedGen C2675556, MONDO:0011953, OMIM 608033.

Allele frequency attached by ClinVar (database versions not stated): gnomAD exomes 0.00002 and 0.00006; ExAC 0.00010; TOPMed 0.00011; gnomAD 0.00012 and 0.00013; ESP Exome Variant Server 0.00027; 1000 Genomes Project 0.00100; 1000 Genomes Project 30x 0.00109.
gnomAD v4.1: 50 of 1,597,608 alleles (0.0031%); highest among the groups gnomAD compares: African/African-American, 0.047%; no homozygotes.

Submissions (3):

Labcorp Genetics (formerly Invitae), Labcorp
Classification: Likely benign for Familial acute necrotizing encephalopathy. Last evaluated: 2024-10-23. Review status: criteria provided, single submitter. Criteria: Invitae Variant Classification Sherloc (09022015). Collection method: clinical testing. Allele origin: germline.

Blueprint Genetics
Classification: Likely benign. Last evaluated: 2024-02-27. Review status: criteria provided, single submitter. Criteria: ACMG Guidelines, 2015. Collection method: clinical testing. Allele origin: germline.

GeneDx
Classification: Likely benign. Last evaluated: 2018-01-04. Review status: criteria provided, single submitter. Criteria: GeneDx Variant Classification (06012015). Collection method: clinical testing. Allele origin: germline. Affected: yes.
Comment: This variant is considered likely benign or benign based on one or more of the following criteria: it is a conservative change, it occurs at a poorly conserved position in the protein, it is predicted to be benign by multiple in silico algorithms, and/or has population frequency not consistent with disease.